The following is an entry in ClinVar:

ClinVar aggregate classification (germline): Uncertain significance (1 of 4 stars; one submission).

Conditions:
Autosomal dominant nonsyndromic hearing loss 6 (LFSNHL). Also called: DIDMOAD (Diabetes Insipidus, Diabetes Mellitus, Optic Atrophy, and Deafness); DEAFNESS, AUTOSOMAL DOMINANT 14; DEAFNESS, AUTOSOMAL DOMINANT 38; DEAFNESS, AUTOSOMAL DOMINANT 6; Autosomal dominant nonsyndromic deafness 6. Identifiers: Orphanet 90635, MedGen C1833021, MONDO:0010963, OMIM 600965.

Submission:

Victorian Clinical Genetics Services, Murdoch Childrens Research Institute
Classification: Uncertain significance for Autosomal dominant nonsyndromic hearing loss 6. Last evaluated: 2022-06-24. Review status: criteria provided, single submitter. Criteria: ACMG Guidelines, 2015. Collection method: clinical testing. Allele origin: germline. Inheritance: Autosomal dominant inheritance. Affected: yes.
Comment: Based on the classification scheme VCGS_Germline_v1.3.4, this variant is classified as VUS-3A. Following criteria are met: 0102 - Loss of function is a known mechanism of disease in this gene and is associated with autosomal recessive Wolfram syndrome 1 (MIM#222300). A dominant negative mechanism has also been suggested for heterozygous missense variants causing autosomal dominant Wolfram-like syndrome (MIM#614296). (I) 0108 - This gene is associated with both recessive and dominant disease. Wolfram syndrome 1 (MIM#222300) is recessive, whereas Wolfram-like syndrome (MIM#614296) is inherited in a dominant manner (OMIM). (I) 0200 - Variant is predicted to result in a missense amino acid change from serine to cysteine. (I) 0251 - This variant is heterozygous. (I) 0301 - Variant is absent from gnomAD (both v2 and v3). (SP) 0309 - An alternative amino acid change at the same position has been observed in gnomAD (v2) (1 heterozygote, 0 homozygotes). (I) 0501 - Missense variant consistently predicted to be damaging by multiple in silico tools and highly conserved with a major amino acid change. (SP) 0600 - Variant is located in the annotated Wolframin C-terminal OB-fold domain (DECIPHER). (I) 0705 - No comparable missense variants have previous evidence for pathogenicity. (I) 0807 - This variant has no previous evidence of pathogenicity. (I) 0905 - No published segregation evidence has been identified for this variant. (I) 1007 - No published functional evidence has been identified for this variant. (I) 1208 - Inheritance information for this variant is not currently available in this individual. (I) Legend: (SP) - Supporting pathogenic, (I) - Information, (SB) - Supporting benign

NM_006005.3(WFS1):c.2503A>T (p.Ser835Cys)

Gene: WFS1 (wolframin ER transmembrane glycoprotein; plus strand). Cytogenetic location: 4p16.1.
Variant type: single nucleotide variant.
Coding change: c.2503A>T on transcript NM_006005.3 (MANE Select); coding-DNA position 2503, A replaced by T.
Protein change: p.Ser835Cys; replaces serine 835 with cysteine.
Molecular consequence: missense variant.
Genome position (GRCh38, 1-based): chr4:6,302,298, A>T. VCF-style: chr4-6302298-A-T. GRCh37 (hg19) VCF-style: chr4-6304025-A-T.
Other names: c.2503A>T, p.Ser835Cys (NM_001145853.1); short protein forms S835C.
Identifiers: ClinVar variation 3376777 (VCV003376777.1).